The following is an entry in ClinVar:

NM_032115.4(KCNK16):c.803-175C>T

Gene: KCNK16 (potassium two pore domain channel subfamily K member 16; minus strand). Cytogenetic location: 6p21.2.
Variant type: single nucleotide variant.
Coding change: c.803-175C>T on transcript NM_032115.4; 175 bases into the intron before coding-DNA position 803, C replaced by T.
Molecular consequence: intron variant. On other transcripts: synonymous variant (1).
Genome position (GRCh38, 1-based): chr6:39,315,304, G>A on the plus strand (C>T on the coding strand, the complement: KCNK16 is on the minus strand). VCF-style: chr6-39315304-G-A. GRCh37 (hg19) VCF-style: chr6-39283080-G-A.
Other names: c.789C>T, p.Val263= (NM_001135105.2); c.467-175C>T (NM_001363784.1); c.662-175C>T (NM_001135107.2).
Identifiers: ClinVar variation 2656534 (VCV002656534.22), dbSNP rs369282992, ClinGen allele CA3793364.

ClinVar aggregate classification (germline): Likely benign (1 of 4 stars; one submission).

Allele frequency attached by ClinVar (database versions not stated): gnomAD 0.00003; gnomAD exomes 0.00004; 1000 Genomes Project 0.00020; 1000 Genomes Project 30x 0.00031; TOPMed 0.00009; ESP Exome Variant Server 0.00022; ExAC 0.00014.
gnomAD v4.1: 63 of 1,557,504 alleles (0.004%); highest among the groups gnomAD compares: Admixed American, 0.041%; no homozygotes.

Submission:

CeGaT Center for Human Genetics Tuebingen
Classification: Likely benign. Last evaluated: 2022-12-01. Review status: criteria provided, single submitter. Criteria: CeGaT Center For Human Genetics Tuebingen Variant Classification Criteria Version 2. Collection method: clinical testing. Allele origin: germline. Affected: yes. Observed: 2 variant alleles.
Comment: KCNK16: BP4, BP7